The following is an entry in ClinVar:

ClinVar aggregate classification (germline): Pathogenic (1 of 4 stars; one submission).

Conditions:
ALG9 congenital disorder of glycosylation (CDG1L). Also called: CONGENITAL DISORDER OF GLYCOSYLATION, TYPE Il; ALG9-CDG; CDG Il. Identifiers: Orphanet 79328, MedGen C2931006, MONDO:0012117, OMIM 608776.

Submission:

Labcorp Genetics (formerly Invitae), Labcorp
Classification: Pathogenic for ALG9 congenital disorder of glycosylation. Last evaluated: 2022-05-17. Review status: criteria provided, single submitter. Criteria: Invitae Variant Classification Sherloc (09022015). Collection method: clinical testing. Allele origin: germline.
Comment: For these reasons, this variant has been classified as Pathogenic. This variant has not been reported in the literature in individuals affected with ALG9-related conditions. This variant is not present in population databases (gnomAD no frequency). This sequence change creates a premature translational stop signal (p.Phe433Ilefs*16) in the ALG9 gene. It is expected to result in an absent or disrupted protein product. Loss-of-function variants in ALG9 are known to be pathogenic (PMID: 25966638).

Literature cited by the submitters: PubMed 25966638.

NM_024740.2(ALG9):c.1296dup (p.Phe433fs)

Gene: ALG9 (ALG9 alpha-1,2-mannosyltransferase; minus strand). Cytogenetic location: 11q23.1.
Variant type: Duplication.
Coding change: c.1296dup on transcript NM_024740.2 (MANE Select); coding-DNA position 1296, one base duplicated (A; older notation c.1296dupA).
Protein change: p.Phe433fs; shifts the reading frame from phenylalanine 433.
Molecular consequence: frameshift variant. On other transcripts: non-coding transcript variant (1).
Genome position (GRCh38, 1-based): chr11:111,838,277, T duplicated on the plus strand (A on the coding strand, the reverse complement: ALG9 is on the minus strand). VCF-style (leftmost placement, unchanged base first): chr11-111838276-A-AT. GRCh37 (hg19) VCF-style: chr11-111708999-A-AT.
Other names: c.1275dup, p.Phe426fs (NM_001077690.1, NM_001352417.1); c.783dup, p.Phe262fs (NM_001077691.2, NM_001352413.1, NM_001352414.2 and 1 more transcripts); c.762dup, p.Phe255fs (NM_001077692.2, NM_001352409.1, NM_001352410.1 and 6 more transcripts); c.1152dup, p.Phe385fs (NM_001352418.1); c.687dup, p.Phe230fs (NM_001352422.2); c.639dup, p.Phe214fs (NM_001352423.2); short protein forms F433fs, F255fs, F230fs, F426fs, F214fs, F262fs, F385fs.
Identifiers: ClinVar variation 2011582 (VCV002011582.4), dbSNP rs2496962569, ClinGen allele CA2580083504.
Genomic context (GRCh38, chr11:111,838,276, plus strand): 5'-CAGTGTAGGTTAAGATATTCTTAGAAGATCTACCTCTGAACAGTGCCACAGAGCGAGAAA[A>AT]TGACAAGAGCCCAAACAGGAAGACAGTTCCTAATGCCAGCCAATTCGATGTCACAGTATA-3'